The following is an entry in ClinVar:

ClinVar aggregate classification (germline): Pathogenic (1 of 4 stars; one submission).

Conditions:
Polyglandular autoimmune syndrome, type 1 (APS1). Also called: Whitaker syndrome; Autoimmune polyendocrinopathy syndrome, type I; Autoimmune polyendocrine syndrome type 1; AUTOIMMUNE POLYENDOCRINE SYNDROME, TYPE I, WITH OR WITHOUT REVERSIBLE METAPHYSEAL DYSPLASIA; APS I; HYPOADRENOCORTICISM WITH HYPOPARATHYROIDISM AND SUPERFICIAL MONILIASIS. Identifiers: Orphanet 3453, MedGen C0085859, MONDO:0009411, OMIM 240300.

Submission:

Myriad Genetics, Inc.
Classification: Pathogenic for Polyglandular autoimmune syndrome, type 1. Last evaluated: 2023-09-27. Review status: criteria provided, single submitter. Criteria: Myriad Autosomal Dominant, Autosomal Recessive and X-Linked Classification Criteria (2023). Collection method: clinical testing. Allele origin: unknown.
Comment: NM_000383.3(AIRE):c.1036dupC(Q346Pfs*26) is expected to be pathogenic in the context of autoimmune polyglandular syndrome type 1. This variant is predicted to lead to an abnormal or absent protein product due to the creation of a premature termination codon in AIRE, a gene where loss-of-function variants are known to be pathogenic. Please note: this variant was assessed in the context of healthy population screening.

NM_000383.4(AIRE):c.1036dup (p.Gln346fs)

Gene: AIRE (autoimmune regulator; plus strand). Cytogenetic location: 21q22.3.
Variant type: Duplication.
Coding change: c.1036dup on transcript NM_000383.4 (MANE Select); coding-DNA position 1036, one base duplicated (C; older notation c.1036dupC).
Protein change: p.Gln346fs; shifts the reading frame from glutamine 346.
Molecular consequence: frameshift variant.
Genome position (GRCh38, 1-based): chr21:44,292,342, C duplicated; the last of 2 consecutive C bases (chr21:44,292,341-44,292,342); duplicating either gives the same sequence. VCF-style (leftmost placement, unchanged base first): chr21-44292340-T-TC. GRCh37 (hg19) VCF-style: chr21-45712223-T-TC.
Other names: short protein forms Q346fs.
Identifiers: ClinVar variation 5012295 (VCV005012295.1).